The following is an entry in ClinVar:

ClinVar aggregate classification (germline): Uncertain significance. Review status: criteria provided, multiple submitters, no conflicts (2 of 4 stars). 4 submissions from 4 submitters: Uncertain significance (4). Last evaluated 2022-09-01.

Conditions:
Inborn genetic diseases. Identifiers: MedGen C0950123, MeSH D030342.
Cortical dysplasia-focal epilepsy syndrome (PTHSL1). Also called: Pitt-Hopkins-like syndrome 1. Identifiers: Orphanet 163681, Orphanet 221150, MedGen C2750246, MONDO:0012400, OMIM 610042.

Allele frequency attached by ClinVar (database versions not stated): ExAC 0.00003; gnomAD exomes 0.00003 and 0.00005; ESP Exome Variant Server 0.00008; TOPMed 0.00009; 1000 Genomes Project 30x 0.00016; gnomAD 0.00016; 1000 Genomes Project 0.00020.
gnomAD v4.1: 58 of 1,614,154 alleles (0.0036%); highest among the groups gnomAD compares: African/African-American, 0.028%; no homozygotes.

Submissions (4):

Labcorp Genetics (formerly Invitae), Labcorp
Classification: Uncertain significance for Cortical dysplasia-focal epilepsy syndrome. Last evaluated: 2022-09-01. Review status: criteria provided, single submitter. Criteria: Invitae Variant Classification Sherloc (09022015). Collection method: clinical testing. Allele origin: germline.
Comment: This sequence change replaces arginine, which is basic and polar, with cysteine, which is neutral and slightly polar, at codon 1052 of the CNTNAP2 protein (p.Arg1052Cys). This variant is present in population databases (rs139930720, gnomAD 0.03%). This variant has not been reported in the literature in individuals affected with CNTNAP2-related conditions. ClinVar contains an entry for this variant (Variation ID: 205279). Algorithms developed to predict the effect of missense changes on protein structure and function output the following: SIFT: "Tolerated"; PolyPhen-2: "Benign"; Align-GVGD: "Class C0". The cysteine amino acid residue is found in multiple mammalian species, which suggests that this missense change does not adversely affect protein function. In summary, the available evidence is currently insufficient to determine the role of this variant in disease. Therefore, it has been classified as a Variant of Uncertain Significance.

GeneDx
Classification: Uncertain significance. Last evaluated: 2021-11-16. Review status: criteria provided, single submitter. Criteria: GeneDx Variant Classification Process June 2021. Collection method: clinical testing. Allele origin: germline. Affected: yes.
Comment: In silico analysis supports that this missense variant does not alter protein structure/function; Has not been previously published as pathogenic or benign to our knowledge

New York Genome Center
Classification: Uncertain significance for Cortical dysplasia-focal epilepsy syndrome. Last evaluated: 2019-12-13. Review status: criteria provided, single submitter. Criteria: NYGC Assertion Criteria 2020. Collection method: clinical testing. Allele origin: germline. Observed: 1 heterozygote. Study: CSER-NYCKidSeq.

Ambry Genetics
Classification: Uncertain significance for Inborn genetic diseases. Last evaluated: 2018-01-18. Review status: criteria provided, single submitter. Criteria: Ambry Variant Classification Scheme 2023. Collection method: clinical testing. Allele origin: germline.
Comment: The p.R1052C variant (also known as c.3154C>T), located in coding exon 19 of the CNTNAP2 gene, results from a C to T substitution at nucleotide position 3154. The arginine at codon 1052 is replaced by cysteine, an amino acid with highly dissimilar properties. This amino acid position is not well conserved in available vertebrate species. In addition, this alteration is predicted to be tolerated by in silico analysis. Since supporting evidence is limited at this time, the clinical significance of this alteration remains unclear.

NM_014141.6(CNTNAP2):c.3154C>T (p.Arg1052Cys)

Gene: CNTNAP2 (contactin associated protein 2; plus strand). Cytogenetic location: 7q36.1.
Variant type: single nucleotide variant.
Coding change: c.3154C>T on transcript NM_014141.6 (MANE Select); coding-DNA position 3154, C replaced by T.
Protein change: p.Arg1052Cys; replaces arginine 1052 with cysteine.
Molecular consequence: missense variant.
Genome position (GRCh38, 1-based): chr7:148,217,431, C>T. VCF-style: chr7-148217431-C-T. GRCh37 (hg19) VCF-style: chr7-147914523-C-T.
Other names: p.R1052C:CGC>TGC; short protein forms R1052C.
Identifiers: ClinVar variation 205279 (VCV000205279.17), dbSNP rs139930720, ClinGen allele CA314192.